The following is an entry in ClinVar:

ClinVar aggregate classification (germline): Pathogenic (1 of 4 stars; one submission).

Submission:

CeGaT Center for Human Genetics Tuebingen
Classification: Pathogenic. Last evaluated: 2023-07-01. Review status: criteria provided, single submitter. Criteria: CeGaT Center For Human Genetics Tuebingen Variant Classification Criteria Version 2. Collection method: clinical testing. Allele origin: germline. Affected: yes. Observed: 3 variant alleles.
Comment: MTFMT: PVS1, PM2

NM_139242.4(MTFMT):c.834_835delinsAT (p.Trp278_Met279delinsTer)

Gene: MTFMT (mitochondrial methionyl-tRNA formyltransferase; minus strand). Cytogenetic location: 15q22.31.
Variant type: Indel.
Coding change: c.834_835delinsAT on transcript NM_139242.4 (MANE Select); coding-DNA positions 834 to 835, GA replaced by AT.
Protein change: p.Trp278_Met279delinsTer.
Molecular consequence: nonsense.
Genome position (GRCh38, 1-based): chr15:65,006,170-65,006,171, TC replaced by AT on the plus strand (GA replaced by AT on the coding strand, the reverse complement: MTFMT is on the minus strand). VCF-style: chr15-65006170-TC-AT. GRCh37 (hg19) VCF-style: chr15-65298508-TC-AT.
Identifiers: ClinVar variation 2570906 (VCV002570906.27), dbSNP rs2506149851, ClinGen allele CA2580613851.